The following is an entry in ClinVar:

ClinVar aggregate classification (germline): Likely benign (1 of 4 stars; one submission).

Allele frequency attached by ClinVar (database versions not stated): gnomAD 0.00081; ExAC 0.00169.
gnomAD v4.1: 228 of 845,548 alleles (0.027%); highest among the groups gnomAD compares: Middle Eastern, 0.51%; 1 homozygote.

Submission:

CeGaT Center for Human Genetics Tuebingen
Classification: Likely benign. Last evaluated: 2024-05-01. Review status: criteria provided, single submitter. Criteria: CeGaT Center For Human Genetics Tuebingen Variant Classification Criteria Version 2. Collection method: clinical testing. Allele origin: germline. Affected: yes. Observed: 2 variant alleles.
Comment: RERE: BP4, BP7, BS1

NM_001042681.2(RERE):c.3099G>A (p.Pro1033=)

Gene: RERE (arginine-glutamic acid dipeptide repeats; minus strand). Cytogenetic location: 1p36.23.
Variant type: single nucleotide variant.
Coding change: c.3099G>A on transcript NM_001042681.2 (MANE Select); coding-DNA position 3099, G replaced by A.
Protein change: p.Pro1033=; no amino-acid change (proline 1033 retained).
Molecular consequence: synonymous variant.
Genome position (GRCh38, 1-based): chr1:8,360,408, C>T on the plus strand (G>A on the coding strand, the complement: RERE is on the minus strand). VCF-style: chr1-8360408-C-T. GRCh37 (hg19) VCF-style: chr1-8420468-C-T.
Other names: c.1437G>A, p.Pro479= (NM_001042682.2); c.3099G>A, p.Pro1033= (NM_012102.4).
Identifiers: ClinVar variation 3025215 (VCV003025215.22), dbSNP rs779302125, ClinGen allele CA571251.